The following is an entry in ClinVar:

NM_001042646.3(TRAK1):c.1744+44C>T

Gene: TRAK1 (trafficking kinesin protein 1; plus strand). Cytogenetic location: 3p22.1.
Variant type: single nucleotide variant.
Coding change: c.1744+44C>T on transcript NM_001042646.3 (MANE Select); 44 bases into the intron after coding-DNA position 1744, C replaced by T.
Molecular consequence: intron variant. On other transcripts: synonymous variant (1).
Genome position (GRCh38, 1-based): chr3:42,202,796, C>T. VCF-style: chr3-42202796-C-T. GRCh37 (hg19) VCF-style: chr3-42244288-C-T.
Other names: c.1566C>T, p.Asp522= (NM_001265610.1); c.1432+44C>T (NM_001349245.1); c.1744+44C>T (NM_001349247.2, NM_001349246.2, NM_001265608.2); c.1522+44C>T (NM_001349249.1, NM_001349248.1, NM_001265609.2); c.1570+44C>T (NM_001410741.1, NM_014965.5).
Identifiers: ClinVar variation 3024989 (VCV003024989.24), dbSNP rs113748092, ClinGen allele CA2333582.

ClinVar aggregate classification (germline): Likely benign. Review status: criteria provided, multiple submitters, no conflicts (2 of 4 stars). 3 submissions from 3 submitters: Likely benign (2). 1 of the submissions does not count toward it. Last evaluated 2024-11-26.

Conditions:
TRAK1-related disorder. Also called: TRAK1-related condition.

Allele frequency attached by ClinVar (database versions not stated): gnomAD exomes 0.00018; ExAC 0.00063; 1000 Genomes Project 0.00140; 1000 Genomes Project 30x 0.00156; gnomAD 0.00206; ESP Exome Variant Server 0.00277.
gnomAD v4.1: 585 of 1,606,978 alleles (0.036%); highest among the groups gnomAD compares: African/African-American, 0.67%; 3 homozygotes.

Submissions (3):

Blueprint Genetics
Classification: Likely benign. Last evaluated: 2024-11-26. Review status: criteria provided, single submitter. Criteria: ACMG Guidelines, 2015. Collection method: clinical testing. Allele origin: germline.

CeGaT Center for Human Genetics Tuebingen
Classification: Likely benign. Last evaluated: 2024-02-01. Review status: criteria provided, single submitter. Criteria: CeGaT Center For Human Genetics Tuebingen Variant Classification Criteria Version 2. Collection method: clinical testing. Allele origin: germline. Affected: yes. Observed: 1 variant allele.
Comment: TRAK1: BP4, BS2

PreventionGenetics, part of Exact Sciences
Classification: Likely benign for TRAK1-related condition. Last evaluated: 2019-04-30. Review status: no assertion criteria provided. Collection method: clinical testing. Allele origin: germline. Not counted in ClinVar's aggregate classification.
Comment: This variant is classified as likely benign based on ACMG/AMP sequence variant interpretation guidelines (Richards et al. 2015 PMID: 25741868, with internal and published modifications).